The following is an entry in ClinVar:

ClinVar aggregate classification (germline): Benign/Likely benign. Review status: criteria provided, multiple submitters, no conflicts (2 of 4 stars). 3 submissions from 3 submitters: Benign (1); Likely benign (2). Last evaluated 2025-09-24.

Conditions:
Hereditary cancer-predisposing syndrome. Also called: Neoplastic Syndromes, Hereditary; Tumor predisposition; Hereditary Cancer Syndrome; Hereditary neoplastic syndrome. Identifiers: Orphanet 140162, MedGen C0027672, MeSH D009386, MONDO:0015356.
Familial cancer of breast. Also called: BREAST CANCER, FAMILIAL; hereditary breast carcinoma; Hereditary breast cancer. Identifiers: Orphanet 227535, MedGen C0346153, MONDO:0016419, OMIM 114480. Disease mechanism: loss of function.

gnomAD v4.1: 2 of 1,614,152 alleles (0.00012%); no homozygotes.

Submissions (3):

Labcorp Genetics (formerly Invitae), Labcorp
Classification: Likely benign for Familial cancer of breast. Last evaluated: 2025-09-24. Review status: criteria provided, single submitter. Criteria: Invitae Variant Classification Sherloc (09022015). Collection method: clinical testing. Allele origin: germline.

Myriad Genetics, Inc.
Classification: Benign for Familial cancer of breast. Last evaluated: 2025-01-21. Review status: criteria provided, single submitter. Criteria: Myriad Autosomal Dominant, Autosomal Recessive and X-Linked Classification Criteria (2023). Collection method: clinical testing. Allele origin: unknown.
Comment: This variant is considered benign. This variant is a silent/synonymous amino acid change and it is not expected to impact splicing.

Ambry Genetics
Classification: Likely benign for Hereditary cancer-predisposing syndrome. Last evaluated: 2015-06-26. Review status: criteria provided, single submitter. Criteria: Ambry Variant Classification Scheme 2023. Collection method: clinical testing. Allele origin: germline.

NM_024675.4(PALB2):c.2919A>G (p.Thr973=)

Gene: PALB2 (partner and localizer of BRCA2; minus strand). Cytogenetic location: 16p12.2.
Variant type: single nucleotide variant.
Coding change: c.2919A>G on transcript NM_024675.4 (MANE Select); coding-DNA position 2919, A replaced by G.
Protein change: p.Thr973=; no amino-acid change (threonine 973 retained).
Molecular consequence: synonymous variant.
Genome position (GRCh38, 1-based): chr16:23,623,046, T>C on the plus strand (A>G on the coding strand, the complement: PALB2 is on the minus strand). VCF-style: chr16-23623046-T-C. GRCh37 (hg19) VCF-style: chr16-23634367-T-C.
Identifiers: ClinVar variation 232717 (VCV000232717.15), dbSNP rs876659945, ClinGen allele CA10579942.